The following is an entry in ClinVar:

NM_032242.4(PLXNA1):c.5630G>A (p.Arg1877Gln)

Gene: PLXNA1 (plexin A1; plus strand). Cytogenetic location: 3q21.3.
Variant type: single nucleotide variant.
Coding change: c.5630G>A on transcript NM_032242.4 (MANE Select); coding-DNA position 5630, G replaced by A.
Protein change: p.Arg1877Gln; replaces arginine 1877 with glutamine.
Molecular consequence: missense variant.
Genome position (GRCh38, 1-based): chr3:127,033,956, G>A. VCF-style: chr3-127033956-G-A. GRCh37 (hg19) VCF-style: chr3-126752799-G-A.
Other names: short protein forms R1877Q.
Identifiers: ClinVar variation 2365114 (VCV002365114.7), dbSNP rs144688057, ClinGen allele CA2594743.

ClinVar aggregate classification (germline): Uncertain significance. Review status: criteria provided, multiple submitters, no conflicts (2 of 4 stars). 3 submissions from 3 submitters: Uncertain significance (3). Last evaluated 2026-03-18.

Conditions:
PLXNA1-related disorder. Also called: PLXNA1-related condition.

Allele frequency attached by ClinVar (database versions not stated): gnomAD exomes 0.00014; ESP Exome Variant Server 0.00039; ExAC 0.00008; gnomAD 0.00010; TOPMed 0.00011.

Submissions (3):

PreventionGenetics, part of Exact Sciences
Classification: Uncertain significance for PLXNA1-related condition. Last evaluated: 2026-03-18. Review status: criteria provided, single submitter. Criteria: ACMG Guidelines, 2015. Collection method: clinical testing. Allele origin: germline.
Comment: The PLXNA1 c.5630G>A variant is predicted to result in the amino acid substitution p.Arg1877Gln. To our knowledge, this variant has not been reported in the literature. This variant is reported in 0.011% of alleles in individuals of European (Non-Finnish) descent in gnomAD. At this time, the clinical significance of this variant is uncertain due to the absence of conclusive functional and genetic evidence.

Labcorp Genetics (formerly Invitae), Labcorp
Classification: Uncertain significance. Last evaluated: 2025-08-04. Review status: criteria provided, single submitter. Criteria: Invitae Variant Classification Sherloc (09022015). Collection method: clinical testing. Allele origin: germline.
Comment: This sequence change replaces arginine, which is basic and polar, with glutamine, which is neutral and polar, at codon 1877 of the PLXNA1 protein (p.Arg1877Gln). This variant is present in population databases (rs144688057, gnomAD 0.008%). This variant has not been reported in the literature in individuals affected with PLXNA1-related conditions. ClinVar contains an entry for this variant (Variation ID: 2365114). Invitae Evidence Modeling of protein sequence and biophysical properties (such as structural, functional, and spatial information, amino acid conservation, physicochemical variation, residue mobility, and thermodynamic stability) indicates that this missense variant is not expected to disrupt PLXNA1 protein function with a negative predictive value of 80%. In summary, the available evidence is currently insufficient to determine the role of this variant in disease. Therefore, it has been classified as a Variant of Uncertain Significance.

Ambry Genetics
Classification: Uncertain significance. Last evaluated: 2025-07-14. Review status: criteria provided, single submitter. Criteria: Ambry Variant Classification Scheme 2023. Collection method: clinical testing. Allele origin: germline.